The following is an entry in ClinVar:

ClinVar aggregate classification (germline): Uncertain significance (1 of 4 stars; one submission).

Submission:

Labcorp Genetics (formerly Invitae), Labcorp
Classification: Uncertain significance. Last evaluated: 2023-07-17. Review status: criteria provided, single submitter. Criteria: Invitae Variant Classification Sherloc (09022015). Collection method: clinical testing. Allele origin: unknown.
Comment: This variant results in a copy number gain of the genomic region encompassing exon(s) 1 of the FBLN5 gene. This region includes the initiator codon of the gene. This copy number gain extends beyond the assayed region for this gene and therefore may encompass additional genes. As the precise location of this event is unknown, it may be in tandem or it may be located elsewhere in the genome. This variant has not been reported in the literature in individuals affected with FBLN5-related conditions. Experimental studies and prediction algorithms are not available or were not evaluated, and the functional significance of this variant is currently unknown. In summary, the available evidence is currently insufficient to determine the role of this variant in disease. Therefore, it has been classified as a Variant of Uncertain Significance.

NC_000014.8:g.(?_92413537)_(92491784_?)dup

Genes: FBLN5 (fibulin 5; minus strand), TRIP11 (thyroid hormone receptor interactor 11; minus strand). Cytogenetic location: 14q32.12.
Variant type: Duplication.
Identifiers: ClinVar variation 3244087 (VCV003244087.1).